The following is an entry in ClinVar:

ClinVar aggregate classification (germline): Uncertain significance (1 of 4 stars; one submission).

Conditions:
Hereditary cancer-predisposing syndrome. Also called: Neoplastic Syndromes, Hereditary; Hereditary Cancer Syndrome; Hereditary neoplastic syndrome; Tumor predisposition. Identifiers: Orphanet 140162, MedGen C0027672, MeSH D009386, MONDO:0015356.

Submission:

Ambry Genetics
Classification: Uncertain significance for Hereditary cancer-predisposing syndrome. Last evaluated: 2026-06-05. Review status: criteria provided, single submitter. Criteria: Ambry Variant Classification Scheme 2023. Collection method: clinical testing. Allele origin: germline.
Comment: The p.K548R variant (also known as c.1643A>G), located in coding exon 11 of the FLCN gene, results from an A to G substitution at nucleotide position 1643. The lysine at codon 548 is replaced by arginine, an amino acid with highly similar properties. This amino acid position is conserved. In addition, this alteration is predicted to be tolerated by in silico analysis. Based on the available evidence, the clinical significance of this variant remains unclear.

NM_144997.7(FLCN):c.1643A>G (p.Lys548Arg)

Gene: FLCN (folliculin; minus strand). Cytogenetic location: 17p11.2.
Variant type: single nucleotide variant.
Coding change: c.1643A>G on transcript NM_144997.7 (MANE Select); coding-DNA position 1643, A replaced by G.
Protein change: p.Lys548Arg; replaces lysine 548 with arginine.
Molecular consequence: missense variant.
Genome position (GRCh38, 1-based): chr17:17,213,752, T>C on the plus strand (A>G on the coding strand, the complement: FLCN is on the minus strand). VCF-style: chr17-17213752-T-C. GRCh37 (hg19) VCF-style: chr17-17117066-T-C.
Other names: c.1697A>G, p.Lys566Arg (NM_001353229.2); c.1643A>G, p.Lys548Arg (NM_001353230.2, NM_001353231.2); short protein forms K548R, K566R.
Identifiers: ClinVar variation 4871362 (VCV004871362.1).